The following is an entry in ClinVar:

ClinVar aggregate classification (germline): Uncertain significance (1 of 4 stars; one submission).

Conditions:
Inborn genetic diseases. Identifiers: MedGen C0950123, MeSH D030342.

gnomAD v4.1: 1 of 1,614,078 alleles (0.000062%); highest among the groups gnomAD compares: Non-Finnish European, 0.000085%; no homozygotes.

Submission:

Ambry Genetics
Classification: Uncertain significance for Inborn genetic diseases. Last evaluated: 2025-11-25. Review status: criteria provided, single submitter. Criteria: Ambry Variant Classification Scheme 2023. Collection method: clinical testing. Allele origin: germline.
Comment: The p.S704P variant (also known as c.2110T>C), located in coding exon 12 of the BMPR2 gene, results from a T to C substitution at nucleotide position 2110. The serine at codon 704 is replaced by proline, an amino acid with similar properties. This amino acid position is conserved. In addition, the in silico prediction for this alteration is inconclusive. Based on the available evidence, the clinical significance of this variant remains unclear.

NM_001204.7(BMPR2):c.2110T>C (p.Ser704Pro)

Gene: BMPR2 (bone morphogenetic protein receptor type 2; plus strand). Cytogenetic location: 2q33.2.
Variant type: single nucleotide variant.
Coding change: c.2110T>C on transcript NM_001204.7 (MANE Select); coding-DNA position 2110, T replaced by C.
Protein change: p.Ser704Pro; replaces serine 704 with proline.
Molecular consequence: missense variant.
Genome position (GRCh38, 1-based): chr2:202,555,775, T>C. VCF-style: chr2-202555775-T-C. GRCh37 (hg19) VCF-style: chr2-203420498-T-C.
Other names: short protein forms S704P.
Identifiers: ClinVar variation 4597899 (VCV004597899.1).